The following is an entry in ClinVar:

ClinVar aggregate classification (germline): Uncertain significance (1 of 4 stars; one submission).

Conditions:
Bailey-Bloch congenital myopathy (CMYO13). Also called: Native American myopathy; Congenital myopathy 13; STAC3 disorder. Identifiers: Orphanet 168572, MedGen C1850625, MONDO:0009722, OMIM 255995.

Allele frequency attached by ClinVar (database versions not stated): gnomAD exomes 0.00001; TOPMed 0.00001; ExAC 0.00002.

Submissions (2):

Labcorp Genetics (formerly Invitae), Labcorp
Classification: Uncertain significance for Bailey-Bloch congenital myopathy. Last evaluated: 2025-10-02. Review status: criteria provided, single submitter. Criteria: Invitae Variant Classification Sherloc (09022015). Collection method: clinical testing. Allele origin: germline.
Comment: This sequence change replaces proline, which is neutral and non-polar, with alanine, which is neutral and non-polar, at codon 146 of the STAC3 protein (p.Pro146Ala). This variant is present in population databases (rs754562509, gnomAD 0.002%). This variant has not been reported in the literature in individuals affected with STAC3-related conditions. ClinVar contains an entry for this variant (Variation ID: 1427222). Invitae Evidence Modeling of protein sequence and biophysical properties (such as structural, functional, and spatial information, amino acid conservation, physicochemical variation, residue mobility, and thermodynamic stability) has been performed for this missense variant. However, the output from this modeling did not meet the statistical confidence thresholds required to predict the impact of this variant on STAC3 protein function. In summary, the available evidence is currently insufficient to determine the role of this variant in disease. Therefore, it has been classified as a Variant of Uncertain Significance.

Dr. Peter K. Rogan Lab, Western University
No classification provided (evidence only). Condition: Colon adenocarcinoma. Review status: no classification provided. Collection method: in vitro. Allele origin: not applicable. Functional consequence: retained intron. Not counted in ClinVar's aggregate classification.

NM_145064.3(STAC3):c.436C>G (p.Pro146Ala)

Gene: STAC3 (SH3 and cysteine rich domain 3; minus strand). Cytogenetic location: 12q13.3.
Variant type: single nucleotide variant.
Coding change: c.436C>G on transcript NM_145064.3 (MANE Select); coding-DNA position 436, C replaced by G.
Protein change: p.Pro146Ala; replaces proline 146 with alanine.
Molecular consequence: missense variant. On other transcripts: 5 prime UTR variant (1), non-coding transcript variant (1).
Genome position (GRCh38, 1-based): chr12:57,248,195, G>C on the plus strand (C>G on the coding strand, the complement: STAC3 is on the minus strand). VCF-style: chr12-57248195-G-C. GRCh37 (hg19) VCF-style: chr12-57641978-G-C.
Other names: c.-123C>G (NM_001286257.2); c.319C>G, p.Pro107Ala (NM_001286256.2); short protein forms P107A, P146A.
Identifiers: ClinVar variation 1427222 (VCV001427222.9), dbSNP rs754562509, ClinGen allele CA6647133.